The following is an entry in ClinVar:

ClinVar aggregate classification (germline): Uncertain significance (1 of 4 stars; one submission).

Submission:

Labcorp Genetics (formerly Invitae), Labcorp
Classification: Uncertain significance. Last evaluated: 2024-01-16. Review status: criteria provided, single submitter. Criteria: Invitae Variant Classification Sherloc (09022015). Collection method: clinical testing. Allele origin: germline.
Comment: This sequence change creates a premature translational stop signal (p.Gln290*) in the MNX1 gene. While this is not anticipated to result in nonsense mediated decay, it is expected to disrupt the last 112 amino acid(s) of the MNX1 protein. This variant is not present in population databases (gnomAD no frequency). This variant has not been reported in the literature in individuals affected with MNX1-related conditions. This variant disrupts a region of the MNX1 protein in which other variant(s) (p.Asn291His) have been observed in individuals with MNX1-related conditions (Invitae). This suggests that this is a clinically significant region of the protein, and that variants that disrupt it are likely to be disease-causing. In summary, the available evidence is currently insufficient to determine the role of this variant in disease. Therefore, it has been classified as a Variant of Uncertain Significance.

NM_005515.4(MNX1):c.868C>T (p.Gln290Ter)

Gene: MNX1 (motor neuron and pancreas homeobox 1; minus strand). Cytogenetic location: 7q36.3.
Variant type: single nucleotide variant.
Coding change: c.868C>T on transcript NM_005515.4 (MANE Select); coding-DNA position 868, C replaced by T.
Protein change: p.Gln290Ter; replaces glutamine 290 with a stop codon.
Molecular consequence: nonsense.
Genome position (GRCh38, 1-based): chr7:157,005,858, G>A on the plus strand (C>T on the coding strand, the complement: MNX1 is on the minus strand). VCF-style: chr7-157005858-G-A. GRCh37 (hg19) VCF-style: chr7-156798552-G-A.
Other names: c.232C>T, p.Gln78Ter (NM_001165255.2); short protein forms Q290*, Q78*.
Identifiers: ClinVar variation 2766995 (VCV002766995.3), dbSNP rs2537772459, ClinGen allele CA370162229.